The following is an entry in ClinVar:

ClinVar aggregate classification (germline): Pathogenic (1 of 4 stars; one submission).

Submission:

Labcorp Genetics (formerly Invitae), Labcorp
Classification: Pathogenic. Last evaluated: 2018-06-10. Review status: criteria provided, single submitter. Criteria: Invitae Variant Classification Sherloc (09022015). Collection method: clinical testing. Allele origin: germline.
Comment: For these reasons, this variant has been classified as Pathogenic. Loss-of-function variants in PBX1 are known to be pathogenic (PMID: 29036646, 29555671). This variant has not been reported in the literature in individuals with PBX1-related disease. This variant is not present in population databases (ExAC no frequency). This sequence change creates a premature translational stop signal (p.Leu47Tyrfs*5) in the PBX1 gene. It is expected to result in an absent or disrupted protein product.

Literature cited by the submitters: PubMed 29036646; PubMed 29555671.

NM_002585.4(PBX1):c.140del (p.Leu47fs)

Gene: PBX1 (PBX homeobox 1; plus strand). Cytogenetic location: 1q23.3.
Variant type: Deletion.
Coding change: c.140del on transcript NM_002585.4 (MANE Select); coding-DNA position 140, one base deleted (T; older notation c.140delT).
Protein change: p.Leu47fs; shifts the reading frame from leucine 47.
Molecular consequence: frameshift variant. On other transcripts: 5 prime UTR variant (1).
Genome position (GRCh38, 1-based): chr1:164,559,962, T deleted; the last of 4 consecutive T bases (chr1:164,559,959-164,559,962); deleting any one gives the same sequence. VCF-style (leftmost placement, unchanged base first): chr1-164559958-AT-A. GRCh37 (hg19) VCF-style: chr1-164529195-AT-A.
Other names: c.140del, p.Leu47fs (NM_001204961.2, NM_001204963.2, NM_001353131.2); c.-36del (NM_001353130.1); short protein forms L47fs.
Identifiers: ClinVar variation 1074696 (VCV001074696.3), dbSNP rs2101678623, ClinGen allele CA2499214283.